The following is an entry in ClinVar:

ClinVar aggregate classification (germline): Uncertain significance. Review status: criteria provided, multiple submitters, no conflicts (2 of 4 stars). 5 submissions from 5 submitters: Uncertain significance (5). Last evaluated 2025-10-11.

Conditions:
Hereditary cancer-predisposing syndrome. Also called: Hereditary neoplastic syndrome; Neoplastic Syndromes, Hereditary; Tumor predisposition; Hereditary Cancer Syndrome. Identifiers: Orphanet 140162, MedGen C0027672, MeSH D009386, MONDO:0015356.
Aplastic anemia. Identifiers: Orphanet 182040, Orphanet 88, MedGen C0002874, MONDO:0015909, OMIM 609135, HP:0001915.
Microcephaly, normal intelligence and immunodeficiency (NBS). Also called: IMMUNODEFICIENCY, MICROCEPHALY, AND CHROMOSOMAL INSTABILITY; SEEMANOVA SYNDROME II; Nijmegen breakage syndrome; Microcephaly with normal intelligence immunodeficiency and lymphoreticular malignancies; Nonsyndromal microcephaly autosomal recessive with normal intelligence; Seemanova syndrome 2. Identifiers: Orphanet 647, MedGen C0398791, MONDO:0009623, OMIM 251260.

Submissions (5):

Labcorp Genetics (formerly Invitae), Labcorp
Classification: Uncertain significance for Microcephaly, normal intelligence and immunodeficiency. Last evaluated: 2025-10-11. Review status: criteria provided, single submitter. Criteria: Invitae Variant Classification Sherloc (09022015). Collection method: clinical testing. Allele origin: germline.
Comment: This sequence change replaces lysine, which is basic and polar, with asparagine, which is neutral and polar, at codon 550 of the NBN protein (p.Lys550Asn). This variant is not present in population databases (gnomAD no frequency). This variant has not been reported in the literature in individuals affected with NBN-related conditions. ClinVar contains an entry for this variant (Variation ID: 481851). An algorithm developed to predict the effect of missense changes on protein structure and function (PolyPhen-2) suggests that this variant is likely to be tolerated. In summary, the available evidence is currently insufficient to determine the role of this variant in disease. Therefore, it has been classified as a Variant of Uncertain Significance.

Ambry Genetics
Classification: Uncertain significance for Hereditary cancer-predisposing syndrome. Last evaluated: 2024-03-17. Review status: criteria provided, single submitter. Criteria: Ambry Variant Classification Scheme 2023. Collection method: clinical testing. Allele origin: germline.
Comment: The p.K550N variant (also known as c.1650A>C), located in coding exon 11 of the NBN gene, results from an A to C substitution at nucleotide position 1650. The lysine at codon 550 is replaced by asparagine, an amino acid with similar properties. This variant was not reported in population based cohorts in the following databases: Database of Single Nucleotide Polymorphisms (dbSNP), NHLBI Exome Sequencing Project (ESP), and 1000 Genomes Project. In the ESP, this variant was not observed in 6502 samples (13004 alleles) with coverage at this position. To date, this alteration has been detected with an allele frequency of approximately 0.001% (greater than 175000 alleles tested) in our clinical cohort. This amino acid position is poorly conserved in available vertebrate species. In addition, this alteration is predicted to be tolerated by in silico analysis. Since supporting evidence is limited at this time, the clinical significance of this alteration remains unclear.

Baylor Genetics
Classification: Uncertain significance for Aplastic anemia. Last evaluated: 2023-10-23. Review status: criteria provided, single submitter. Criteria: ACMG Guidelines, 2015. Collection method: clinical testing. Allele origin: unknown.

GeneDx
Classification: Uncertain significance. Last evaluated: 2023-04-12. Review status: criteria provided, single submitter. Criteria: GeneDx Variant Classification Process June 2021. Collection method: clinical testing. Allele origin: germline. Affected: yes.
Comment: Not observed at significant frequency in large population cohorts (gnomAD); In silico analysis supports that this missense variant does not alter protein structure/function; Has not been previously published as pathogenic or benign to our knowledge

Genome-Nilou Lab
Classification: Uncertain significance for Microcephaly, normal intelligence and immunodeficiency. Last evaluated: 2021-11-07. Review status: criteria provided, single submitter. Criteria: ACMG Guidelines, 2015. Collection method: clinical testing. Allele origin: germline. Affected: no.

NM_002485.5(NBN):c.1650A>C (p.Lys550Asn)

Gene: NBN (nibrin; minus strand). Cytogenetic location: 8q21.3.
Variant type: single nucleotide variant.
Coding change: c.1650A>C on transcript NM_002485.5 (MANE Select); coding-DNA position 1650, A replaced by C.
Protein change: p.Lys550Asn; replaces lysine 550 with asparagine.
Molecular consequence: missense variant.
Genome position (GRCh38, 1-based): chr8:89,953,439, T>G on the plus strand (A>C on the coding strand, the complement: NBN is on the minus strand). VCF-style: chr8-89953439-T-G. GRCh37 (hg19) VCF-style: chr8-90965667-T-G.
Other names: c.1404A>C, p.Lys468Asn (NM_001024688.3); short protein forms K550N, K468N.
Identifiers: ClinVar variation 481851 (VCV000481851.20), dbSNP rs1554558368, ClinGen allele CA371655400.